The following is an entry in ClinVar:

ClinVar aggregate classification (germline): Likely pathogenic (1 of 4 stars; one submission).

Conditions:
Oligodontia-cancer predisposition syndrome. Also called: TOOTH AGENESIS-COLORECTAL CANCER SYNDROME. Identifiers: Orphanet 300576, MedGen C1837750, MONDO:0012075, OMIM 608615. Disease mechanism: loss of function.

Submission:

Labcorp Genetics (formerly Invitae), Labcorp
Classification: Likely pathogenic for Oligodontia-cancer predisposition syndrome. Last evaluated: 2023-11-15. Review status: criteria provided, single submitter. Criteria: Invitae Variant Classification Sherloc (09022015). Collection method: clinical testing. Allele origin: germline.
Comment: This sequence change affects an acceptor splice site in intron 8 of the AXIN2 gene. It is expected to disrupt RNA splicing. Variants that disrupt the donor or acceptor splice site typically lead to a loss of protein function (PMID: 16199547), and loss-of-function variants in AXIN2 are known to be pathogenic (PMID: 15042511, 21416598). This variant is not present in population databases (gnomAD no frequency). This variant has not been reported in the literature in individuals affected with AXIN2-related conditions. Algorithms developed to predict the effect of sequence changes on RNA splicing suggest that this variant may disrupt the consensus splice site. In summary, the currently available evidence indicates that the variant is pathogenic, but additional data are needed to prove that conclusively. Therefore, this variant has been classified as Likely Pathogenic.

Literature cited by the submitters: PubMed 16199547; PubMed 15042511; PubMed 21416598.

NM_004655.4(AXIN2):c.2142-1G>C

Gene: AXIN2 (axin 2; minus strand). Cytogenetic location: 17q24.1.
Variant type: single nucleotide variant.
Coding change: c.2142-1G>C on transcript NM_004655.4 (MANE Select); the canonical splice acceptor site of the intron before coding-DNA position 2142, G replaced by C.
Molecular consequence: splice acceptor variant.
Genome position (GRCh38, 1-based): chr17:65,535,722, C>G on the plus strand (G>C on the coding strand, the complement: AXIN2 is on the minus strand). VCF-style: chr17-65535722-C-G. GRCh37 (hg19) VCF-style: chr17-63531840-C-G.
Other names: c.1947-1G>C (NM_001363813.1).
Identifiers: ClinVar variation 2696157 (VCV002696157.3), dbSNP rs2509397598, ClinGen allele CA400675891.